The following is an entry in ClinVar:

ClinVar aggregate classification (germline): Likely benign. Review status: criteria provided, multiple submitters, no conflicts (2 of 4 stars). 2 submissions from 2 submitters: Likely benign (2). Last evaluated 2022-02-06.

Conditions:
Pseudohypoaldosteronism type 2E (PHA2E). Also called: Pseudohypoaldosteronism Type IIE. Identifiers: Orphanet 300530, Orphanet 757, MedGen C3469606, MONDO:0013782, OMIM 614496.

Allele frequency attached by ClinVar (database versions not stated): ExAC 0.00002; gnomAD 0.00002; gnomAD exomes 0.00002; TOPMed 0.00002.
gnomAD v4.1: 99 of 1,613,822 alleles (0.0061%); highest among the groups gnomAD compares: Non-Finnish European, 0.0082%; no homozygotes.

Submissions (2):

Labcorp Genetics (formerly Invitae), Labcorp
Classification: Likely benign. Last evaluated: 2022-02-06. Review status: criteria provided, single submitter. Criteria: Invitae Variant Classification Sherloc (09022015). Collection method: clinical testing. Allele origin: germline.

Illumina Laboratory Services, Illumina
Classification: Likely benign for Pseudohypoaldosteronism type 2E. Last evaluated: 2018-01-13. Review status: criteria provided, single submitter. Criteria: ICSL Variant Classification Criteria 13 December 2019. Collection method: clinical testing. Allele origin: germline.
Comment: This variant was observed in the ICSL laboratory as part of a predisposition screen in an ostensibly healthy population. It had not been previously curated by ICSL or reported in the Human Gene Mutation Database (HGMD: prior to June 1st, 2018), and was therefore a candidate for classification through an automated scoring system. Utilizing variant allele frequency, disease prevalence and penetrance estimates, and inheritance mode, an automated score was calculated to assess if this variant is too frequent to cause the disease. Based on the score and internal cut-off values, a variant classified as likely benign is not then subjected to further curation. The score for this variant resulted in a classification of likely benign for this disease.

NM_003590.5(CUL3):c.1647A>G (p.Thr549=)

Gene: CUL3 (cullin 3; minus strand). Cytogenetic location: 2q36.2.
Variant type: single nucleotide variant.
Coding change: c.1647A>G on transcript NM_003590.5 (MANE Select); coding-DNA position 1647, A replaced by G.
Protein change: p.Thr549=; no amino-acid change (threonine 549 retained).
Molecular consequence: synonymous variant.
Genome position (GRCh38, 1-based): chr2:224,497,813, T>C on the plus strand (A>G on the coding strand, the complement: CUL3 is on the minus strand). VCF-style: chr2-224497813-T-C. GRCh37 (hg19) VCF-style: chr2-225362530-T-C.
Other names: c.1449A>G, p.Thr483= (NM_001257197.2); c.1665A>G, p.Thr555= (NM_001257198.2).
Identifiers: ClinVar variation 898280 (VCV000898280.8), dbSNP rs746272319, ClinGen allele CA2139917.